The following is an entry in ClinVar:

NM_001278116.2(L1CAM):c.1939+5G>A

Gene: L1CAM (L1 cell adhesion molecule; minus strand). Cytogenetic location: Xq28.
Variant type: single nucleotide variant.
Coding change: c.1939+5G>A on transcript NM_001278116.2 (MANE Select); 5 bases into the intron after coding-DNA position 1939, G replaced by A.
Molecular consequence: intron variant.
Genome position (GRCh38, 1-based): chrX:153,867,795, C>T on the plus strand (G>A on the coding strand, the complement: L1CAM is on the minus strand). VCF-style: chrX-153867795-C-T. GRCh37 (hg19) VCF-style: chrX-153133250-C-T.
Other names: L1CAM, IVS15DS, G-A, +5; IVS15DS, G-A, +5; c.1924+5G>A (NM_001143963.2); c.1939+5G>A (NM_024003.3, NM_000425.5).
Identifiers: ClinVar variation 9999 (VCV000009999.10), dbSNP rs879253716, ClinGen allele CA10575513.

ClinVar aggregate classification (germline): Likely pathogenic. Review status: criteria provided, single submitter (1 of 4 stars). 2 submissions from 2 submitters: Likely pathogenic (1). 1 of the submissions does not count toward it. Last evaluated 2024-02-14.

Conditions:
Spastic paraplegia. Identifiers: MedGen C0037772, HP:0001258.
X-linked hydrocephalus syndrome (HYCX). Also called: X-linked hydrocephalus; HYDROCEPHALUS, CONGENITAL, X-LINKED; X-Linked Hydrocephalus with Stenosis of the Aqueduct of Sylvius (HSAS); AQUEDUCTAL STENOSIS, X-LINKED; X-Linked Hydrocephalus with Stenosis of the Aqueduct of Sylvius. Identifiers: Orphanet 2182, MedGen C0265216, MONDO:0010611, OMIM 307000.

Submissions (2):

Labcorp Genetics (formerly Invitae), Labcorp
Classification: Likely pathogenic for Spastic paraplegia. Last evaluated: 2024-02-14. Review status: criteria provided, single submitter. Criteria: Invitae Variant Classification Sherloc (09022015). Collection method: clinical testing. Allele origin: germline.
Comment: This sequence change falls in intron 15 of the L1CAM gene. It does not directly change the encoded amino acid sequence of the L1CAM protein. It affects a nucleotide within the consensus splice site. This variant is not present in population databases (gnomAD no frequency). This variant has been observed in individual(s) with X-linked hydrocephalus (PMID: 15148591). It has also been observed to segregate with disease in related individuals. ClinVar contains an entry for this variant (Variation ID: 9999). Variants that disrupt the consensus splice site are a relatively common cause of aberrant splicing (PMID: 17576681, 9536098). Algorithms developed to predict the effect of sequence changes on RNA splicing suggest that this variant may disrupt the consensus splice site. In summary, the currently available evidence indicates that the variant is pathogenic, but additional data are needed to prove that conclusively. Therefore, this variant has been classified as Likely Pathogenic.

OMIM
Classification: Pathogenic for HYDROCEPHALUS, CONGENITAL, X-LINKED. Last evaluated: 2004-01-01. Review status: no assertion criteria provided. Collection method: literature only. Allele origin: germline. Not counted in ClinVar's aggregate classification.

Literature cited by the submitters: PubMed 15148591 (cited by Labcorp Genetics (formerly Invitae), Labcorp and OMIM); PubMed 17576681 (cited by Labcorp Genetics (formerly Invitae), Labcorp); PubMed 9536098 (cited by Labcorp Genetics (formerly Invitae), Labcorp).